The following is an entry in ClinVar:

NC_000017.10:g.(?_7906366)_(7911370_?)del

Gene: GUCY2D (guanylate cyclase 2D, retinal; plus strand). Cytogenetic location: 17p13.1.
Variant type: Deletion.
Identifiers: ClinVar variation 3243071 (VCV003243071.1).

ClinVar aggregate classification (germline): Pathogenic (1 of 4 stars; one submission).

Conditions:
Cone-rod dystrophy 6 (CORD6). Also called: RETINAL CONE DYSTROPHY 2; Cone dystrophy progressive. Identifiers: Orphanet 1872, MedGen C1866293, MONDO:0011143, OMIM 601777.
Leber congenital amaurosis 1 (LCA1). Also called: AMAUROSIS CONGENITA OF LEBER I; RETINAL BLINDNESS, CONGENITAL; Congenital absence of the rods and cones; Leber's congenital tapetoretinal degeneration; Leber's congenital tapetoretinal dysplasia. Identifiers: Orphanet 65, MedGen C2931258, MONDO:0008764, OMIM 204000.

Submission:

Labcorp Genetics (formerly Invitae), Labcorp
Classification: Pathogenic for Leber congenital amaurosis 1; Cone-rod dystrophy 6. Last evaluated: 2023-04-24. Review status: criteria provided, single submitter. Criteria: Invitae Variant Classification Sherloc (09022015). Collection method: clinical testing. Allele origin: unknown.
Comment: For these reasons, this variant has been classified as Pathogenic. This variant has not been reported in the literature in individuals affected with GUCY2D-related conditions. This variant is a gross deletion of the genomic region encompassing exon(s) 2-7 of the GUCY2D gene, which includes the initiator codon. This deletion extends beyond the assayed region for this gene and therefore may encompass additional genes. It is expected to result in an absent or disrupted protein product. Loss-of-function variants in GUCY2D are known to be pathogenic (PMID: 10951519, 11328726).

Literature cited by the submitters: PubMed 10951519; PubMed 11328726.